The following is an entry in ClinVar:

NM_000321.3(RB1):c.1779T>A (p.Asn593Lys)

Gene: RB1 (RB transcriptional corepressor 1; plus strand). Cytogenetic location: 13q14.2.
Variant type: single nucleotide variant.
Coding change: c.1779T>A on transcript NM_000321.3 (MANE Select); coding-DNA position 1779, T replaced by A.
Protein change: p.Asn593Lys; replaces asparagine 593 with lysine.
Molecular consequence: missense variant.
Genome position (GRCh38, 1-based): chr13:48,453,076, T>A. VCF-style: chr13-48453076-T-A. GRCh37 (hg19) VCF-style: chr13-49027212-T-A.
Other names: c.1779T>A (NM_000321.2); short protein forms N593K.
Identifiers: ClinVar variation 1436366 (VCV001436366.9), dbSNP rs2138327277, ClinGen allele CA388165595.

ClinVar aggregate classification (germline): Uncertain significance. Review status: criteria provided, multiple submitters, no conflicts (2 of 4 stars). 3 submissions from 3 submitters: Uncertain significance (3). Last evaluated 2025-10-27.

Conditions:
Retinoblastoma (RB1). Also called: RETINOBLASTOMA, SOMATIC. Identifiers: Orphanet 790, MedGen C0035335, MeSH D012175, MONDO:0008380, OMIM 180200, HP:0009919. Disease mechanism: loss of function. Inheritance: Both sporadic and heritable forms are tested..
Hereditary cancer-predisposing syndrome. Also called: Neoplastic Syndromes, Hereditary; Hereditary Cancer Syndrome; Hereditary neoplastic syndrome; Tumor predisposition. Identifiers: Orphanet 140162, MedGen C0027672, MeSH D009386, MONDO:0015356.

Allele frequency attached by ClinVar (database versions not stated): gnomAD exomes below 0.00001.
gnomAD v4.1: 1 of 1,613,166 alleles (0.000062%); highest among the groups gnomAD compares: Non-Finnish European, 0.000085%; no homozygotes.

Submissions (3):

Color Diagnostics, LLC DBA Color Health
Classification: Uncertain significance for Retinoblastoma. Last evaluated: 2025-10-27. Review status: criteria provided, single submitter. Criteria: ACMG Guidelines, 2015. Collection method: clinical testing. Allele origin: germline.
Comment: This missense variant replaces asparagine with lysine at codon 593 of the RB1 protein. Computational prediction suggests that this variant may not impact protein structure and function. To our knowledge, functional studies have not been reported for this variant. This variant has not been reported in individuals affected with RB1-related disorders in the literature. This variant has been identified in 1/1460860 chromosomes in the general population by the Genome Aggregation Database (gnomAD). The available evidence is insufficient to determine the role of this variant in disease conclusively. Therefore, this variant is classified as a Variant of Uncertain Significance.

Labcorp Genetics (formerly Invitae), Labcorp
Classification: Uncertain significance for Retinoblastoma. Last evaluated: 2025-10-22. Review status: criteria provided, single submitter. Criteria: Invitae Variant Classification Sherloc (09022015). Collection method: clinical testing. Allele origin: germline.
Comment: This sequence change replaces asparagine, which is neutral and polar, with lysine, which is basic and polar, at codon 593 of the RB1 protein (p.Asn593Lys). This variant is not present in population databases (gnomAD no frequency). This variant has not been reported in the literature in individuals affected with RB1-related conditions. ClinVar contains an entry for this variant (Variation ID: 1436366). Invitae Evidence Modeling of protein sequence and biophysical properties (such as structural, functional, and spatial information, amino acid conservation, physicochemical variation, residue mobility, and thermodynamic stability) indicates that this missense variant is not expected to disrupt RB1 protein function with a negative predictive value of 80%. In summary, the available evidence is currently insufficient to determine the role of this variant in disease. Therefore, it has been classified as a Variant of Uncertain Significance.

Ambry Genetics
Classification: Uncertain significance for Hereditary cancer-predisposing syndrome. Last evaluated: 2025-04-12. Review status: criteria provided, single submitter. Criteria: Ambry Variant Classification Scheme 2023. Collection method: clinical testing. Allele origin: germline.
Comment: The p.N593K variant (also known as c.1779T>A), located in coding exon 18 of the RB1 gene, results from a T to A substitution at nucleotide position 1779. The asparagine at codon 593 is replaced by lysine, an amino acid with similar properties. This amino acid position is conserved. In addition, this alteration is predicted to be tolerated by in silico analysis. Based on the available evidence, the clinical significance of this variant remains unclear.